The following is an entry in ClinVar:

ClinVar aggregate classification (germline): Uncertain significance (1 of 4 stars; one submission).

Submission:

GeneDx
Classification: Uncertain significance. Last evaluated: 2022-12-14. Review status: criteria provided, single submitter. Criteria: GeneDx Variant Classification Process June 2021. Collection method: clinical testing. Allele origin: germline. Affected: yes.
Comment: In silico analysis supports that this missense variant does not alter protein structure/function; Not observed at significant frequency in large population cohorts (gnomAD); Has not been previously published as pathogenic or benign to our knowledge

NM_005921.2(MAP3K1):c.868G>T (p.Ala290Ser)

Gene: MAP3K1 (mitogen-activated protein kinase kinase kinase 1; plus strand). Cytogenetic location: 5q11.2.
Variant type: single nucleotide variant.
Coding change: c.868G>T on transcript NM_005921.2 (MANE Select); coding-DNA position 868, G replaced by T.
Protein change: p.Ala290Ser; replaces alanine 290 with serine.
Molecular consequence: missense variant.
Genome position (GRCh38, 1-based): chr5:56,864,767, G>T. VCF-style: chr5-56864767-G-T. GRCh37 (hg19) VCF-style: chr5-56160594-G-T.
Other names: short protein forms A290S.
Identifiers: ClinVar variation 2505821 (VCV002505821.1), dbSNP rs2530908380, ClinGen allele CA359802804.
Genomic context (GRCh38, chr5:56,864,767, plus strand): 5'-TACCTAATAAAAAAAAATGTTGTGAAGTTTCAGAGTGGCAGAATCACACCACCCCGAAGA[G>T]CCCCTTCACCAGATGGCTTCTCACCATATAGCCCTGAGGAAACAAACCGCCGTGTTAACA-3'
Protein context (NP_005912.1, residues 280-300): QSGRITPPRR[Ala290Ser]PSPDGFSPYS